The following is an entry in ClinVar:

NM_001161352.2(KCNMA1):c.2267-4488C>T

Genes: KCNMA1 (potassium calcium-activated channel subfamily M alpha 1; minus strand), KCNMA1-AS1 (KCNMA1 antisense RNA 1; plus strand). Cytogenetic location: 10q22.3.
Variant type: single nucleotide variant.
Coding change: c.2267-4488C>T on transcript NM_001161352.2 (MANE Select); 4488 bases into the intron before coding-DNA position 2267, C replaced by T.
Molecular consequence: intron variant. On other transcripts: missense variant (2).
Genome position (GRCh38, 1-based): chr10:76,974,555, G>A on the plus strand (C>T on the coding strand, the complement: KCNMA1 is on the minus strand). VCF-style: chr10-76974555-G-A. GRCh37 (hg19) VCF-style: chr10-78734313-G-A.
Other names: c.1571C>T, p.Ser524Leu (NM_001322838.2); c.2111C>T, p.Ser704Leu (NM_001437423.1); c.1943-4488C>T (NM_001271518.2); c.2093-4488C>T (NM_001322832.2, NM_001410940.1, NM_002247.4 and 1 more transcripts); c.2102-4488C>T (NM_001322829.2, NM_001322836.2, NM_001271519.2); c.2105-4488C>T (NM_001014797.3, NM_001322835.2, NM_001322837.2); c.2114-4488C>T (NM_001322830.2); c.2225-4488C>T (NM_001437422.1); short protein forms S524L, S704L.
Identifiers: ClinVar variation 4686203 (VCV004686203.1).

ClinVar aggregate classification (germline): Uncertain significance (1 of 4 stars; one submission).

Submission:

GeneDx
Classification: Uncertain significance. Last evaluated: 2025-07-14. Review status: criteria provided, single submitter. Criteria: GeneDx Variant Classification Process June 2021. Collection method: clinical testing. Allele origin: germline. Affected: yes.
Comment: Not observed at significant frequency in large population cohorts (gnomAD); In silico analysis supports that this missense variant has a deleterious effect on protein structure/function; Has not been previously published as pathogenic or benign to our knowledge; Reported using an alternate transcript of the gene